The following is an entry in ClinVar:

ClinVar aggregate classification (germline): Uncertain significance (1 of 4 stars; one submission).

Conditions:
Myasthenic syndrome, congenital, 22 (CMS22). Also called: PREPL DEFICIENCY. Identifiers: MedGen C4479088, MONDO:0044299, OMIM 616224.

gnomAD v4.1: 21 of 1,613,744 alleles (0.0013%); highest among the groups gnomAD compares: East Asian, 0.04%; no homozygotes.

Submission:

Labcorp Genetics (formerly Invitae), Labcorp
Classification: Uncertain significance for Myasthenic syndrome, congenital, 22. Last evaluated: 2022-08-22. Review status: criteria provided, single submitter. Criteria: Invitae Variant Classification Sherloc (09022015). Collection method: clinical testing. Allele origin: germline.
Comment: This sequence change replaces alanine, which is neutral and non-polar, with glycine, which is neutral and non-polar, at codon 481 of the PREPL protein (p.Ala481Gly). This variant is not present in population databases (gnomAD no frequency). This variant has not been reported in the literature in individuals affected with PREPL-related conditions. Algorithms developed to predict the effect of missense changes on protein structure and function (SIFT, PolyPhen-2, Align-GVGD) all suggest that this variant is likely to be disruptive. In summary, the available evidence is currently insufficient to determine the role of this variant in disease. Therefore, it has been classified as a Variant of Uncertain Significance.

NM_001171613.2(PREPL):c.1175C>G (p.Ala392Gly)

Gene: PREPL (prolyl endopeptidase like; minus strand). Cytogenetic location: 2p21.
Variant type: single nucleotide variant.
Coding change: c.1175C>G on transcript NM_001171613.2 (MANE Select); coding-DNA position 1175, C replaced by G.
Protein change: p.Ala392Gly; replaces alanine 392 with glycine.
Molecular consequence: missense variant.
Genome position (GRCh38, 1-based): chr2:44,329,024, G>C on the plus strand (C>G on the coding strand, the complement: PREPL is on the minus strand). VCF-style: chr2-44329024-G-C. GRCh37 (hg19) VCF-style: chr2-44556163-G-C.
Other names: c.1256C>G, p.Ala419Gly (NM_001042385.2); c.1244C>G, p.Ala415Gly (NM_001042386.2); c.1442C>G, p.Ala481Gly (NM_001171603.1, NM_001171606.2, NM_001374275.1 and 2 more transcripts); c.1175C>G, p.Ala392Gly (NM_001171617.1, NM_001374277.1); short protein forms A419G, A481G, A392G, A415G.
Identifiers: ClinVar variation 1945750 (VCV001945750.2), dbSNP rs1572857002, ClinGen allele CA346690542.
Genomic context (GRCh38, chr2:44,329,024, plus strand): 5'-CCATCATCCACCAGGACCCGCCTCTCAGGCCTGAAATTCATTTTCAAATCCATTCCATAA[G>C]CTCCATATACATGTACCAAGAGAGGTTTCTTCTGCAAGTCCTCAGAGTCAGTTTTGTGGA-3'
Protein context (NP_001165084.1, residues 382-402): KKPLLVHVYG[Ala392Gly]YGMDLKMNFR